The following is an entry in ClinVar:

NC_000010.10:g.(?_100177321)_(101611388_?)del

Genes: ABCC2 (ATP binding cassette subfamily C member 2; plus strand), CNNM1 (cyclin and CBS domain divalent metal cation transport mediator 1; plus strand), COX15 (cytochrome c oxidase assembly homolog COX15; minus strand), CUTC (cutC copper transporter; plus strand), ENTPD7 (ectonucleoside triphosphate diphosphohydrolase 7; plus strand) and 5 more. Cytogenetic location: 10q24.2.
Variant type: Deletion.
Identifiers: ClinVar variation 1460184 (VCV001460184.3).

ClinVar aggregate classification (germline): Pathogenic (1 of 4 stars; one submission).

Submission:

Labcorp Genetics (formerly Invitae), Labcorp
Classification: Pathogenic. Last evaluated: 2021-09-15. Review status: criteria provided, single submitter. Criteria: Invitae Variant Classification Sherloc (09022015). Collection method: clinical testing. Allele origin: germline.
Comment: A gross deletion of the genomic region encompassing the full coding sequence of the HPS1 gene has been identified. Loss-of-function variants in HPS1 are known to be pathogenic (PMID: 12442288, 16185271). The boundaries of this event are unknown as they extend beyond the assayed region for this gene and therefore may encompass additional genes. This variant has not been reported in the literature in individuals affected with HPS1-related conditions. For these reasons, this variant has been classified as Pathogenic.

Literature cited by the submitters: PubMed 12442288; PubMed 16185271.